The following is an entry in ClinVar:

ClinVar aggregate classification (germline): Uncertain significance. Review status: criteria provided, multiple submitters, no conflicts (2 of 4 stars). 2 submissions from 2 submitters: Uncertain significance (2). Last evaluated 2024-06-19.

Conditions:
Mosaic variegated aneuploidy syndrome 1 (MVA1). Also called: Warburton-Anyane-Yeboa syndrome. Identifiers: Orphanet 1052, MedGen C1850343, MONDO:0009759, OMIM 257300.
Premature chromatid separation trait (PCS). Also called: TOTAL PREMATURE CHROMATID SEPARATION TRAIT. Identifiers: MedGen C1864389, MONDO:0008304, OMIM 176430.
Colorectal cancer. Also called: Colorectal cancer, somatic; Malignant Colorectal Neoplasm. Identifiers: MedGen C0346629, MONDO:0005575, OMIM 114500.

Allele frequency attached by ClinVar (database versions not stated): TOPMed below 0.00001; ExAC 0.00001; gnomAD exomes 0.00001 and 0.00002.
gnomAD v4.1: 3 of 1,614,172 alleles (0.00019%); highest among the groups gnomAD compares: East Asian, 0.0067%; no homozygotes.

Submissions (2):

Fulgent Genetics
Classification: Uncertain significance for Colorectal cancer; Premature chromatid separation trait; Mosaic variegated aneuploidy syndrome 1. Last evaluated: 2024-06-19. Review status: criteria provided, single submitter. Criteria: ACMG Guidelines, 2015. Collection method: clinical testing. Allele origin: germline.

Labcorp Genetics (formerly Invitae), Labcorp
Classification: Uncertain significance for Mosaic variegated aneuploidy syndrome 1. Last evaluated: 2022-11-10. Review status: criteria provided, single submitter. Criteria: Invitae Variant Classification Sherloc (09022015). Collection method: clinical testing. Allele origin: germline.
Comment: In summary, the available evidence is currently insufficient to determine the role of this variant in disease. Therefore, it has been classified as a Variant of Uncertain Significance. Algorithms developed to predict the effect of missense changes on protein structure and function are either unavailable or do not agree on the potential impact of this missense change (SIFT: "Tolerated"; PolyPhen-2: "Possibly Damaging"; Align-GVGD: "Class C0"). ClinVar contains an entry for this variant (Variation ID: 1052244). This variant has not been reported in the literature in individuals affected with BUB1B-related conditions. This variant is present in population databases (rs755941900, gnomAD 0.01%). This sequence change replaces glutamic acid, which is acidic and polar, with glycine, which is neutral and non-polar, at codon 937 of the BUB1B protein (p.Glu937Gly).

NM_001211.6(BUB1B):c.2810A>G (p.Glu937Gly)

Genes: BUB1B (BUB1 mitotic checkpoint serine/threonine kinase B; plus strand), BUB1B-PAK6 (BUB1B-PAK6 readthrough; plus strand). Cytogenetic location: 15q15.1.
Variant type: single nucleotide variant.
Coding change: c.2810A>G on transcript NM_001211.6 (MANE Select); coding-DNA position 2810, A replaced by G.
Protein change: p.Glu937Gly; replaces glutamic acid 937 with glycine.
Molecular consequence: missense variant. On other transcripts: 5 prime UTR variant (2).
Genome position (GRCh38, 1-based): chr15:40,217,627, A>G. VCF-style: chr15-40217627-A-G. GRCh37 (hg19) VCF-style: chr15-40509828-A-G.
Other names: c.-241A>G (NM_001128628.3); c.-158A>G (NM_001128629.3); short protein forms E937G.
Identifiers: ClinVar variation 1052244 (VCV001052244.6), dbSNP rs755941900, ClinGen allele CA7476130.